The following is an entry in ClinVar:

NM_000372.5(TYR):c.950A>T (p.Asp317Val)

Gene: TYR (tyrosinase; plus strand). Cytogenetic location: 11q14.3.
Variant type: single nucleotide variant.
Coding change: c.950A>T on transcript NM_000372.5 (MANE Select); coding-DNA position 950, A replaced by T.
Protein change: p.Asp317Val; replaces aspartic acid 317 with valine.
Molecular consequence: missense variant.
Genome position (GRCh38, 1-based): chr11:89,191,332, A>T. VCF-style: chr11-89191332-A-T. GRCh37 (hg19) VCF-style: chr11-88924500-A-T.
Other names: short protein forms D317V.
Identifiers: ClinVar variation 5004681 (VCV005004681.1).
Genomic context (GRCh38, chr11:89,191,332, plus strand): 5'-TACGGCGTAATCCTGGAAACCATGACAAATCCAGAACCCCAAGGCTCCCCTCTTCAGCTG[A>T]TGTAGAATTTTGCCTGAGTTTGACCCAATATGAATCTGGTTCCATGGATAAAGCTGCCAA-3'
Protein context (NP_000363.1, residues 307-327): SRTPRLPSSA[Asp317Val]VEFCLSLTQY

ClinVar aggregate classification (germline): Uncertain significance (1 of 4 stars; one submission).

Conditions:
Oculocutaneous albinism type 1. Also called: Albinism 1; ALBINISM I. Identifiers: Orphanet 352731, MedGen C0268494, MONDO:0018135. Disease mechanism: loss of function.

gnomAD v4.1: 3 of 1,613,732 alleles (0.00019%); highest among the groups gnomAD compares: Non-Finnish European, 0.000085%; no homozygotes.

Submission:

Myriad Genetics, Inc.
Classification: Uncertain significance for Oculocutaneous albinism type 1. Last evaluated: 2026-05-15. Review status: criteria provided, single submitter. Criteria: Myriad Autosomal Dominant, Autosomal Recessive and X-Linked Classification Criteria (2023). Collection method: clinical testing. Allele origin: unknown.
Comment: NM_000372.4(TYR):c.950A>T(D317V) is a missense variant classified as a variant of uncertain significance in the context of oculocutaneous albinism, TYR-related. D317V has been observed in cases with relevant disease (PMID: 27734839). Relevant functional assessments of this variant are not available in the literature. D317V has not been observed in referenced population frequency databases. In summary, there is insufficient evidence to classify NM_000372.4(TYR):c.950A>T(D317V) as pathogenic or benign. Please note: this variant was assessed in the context of healthy population screening.

Literature cited by the submitters: PubMed 27734839.